The following is an entry in ClinVar:

ClinVar aggregate classification (germline): Likely benign. Review status: criteria provided, multiple submitters, no conflicts (2 of 4 stars). 3 submissions from 3 submitters: Likely benign (3). Last evaluated 2026-08-01.

Conditions:
Ehlers-Danlos syndrome, kyphoscoliotic type 1 (EDSKSCL1). Also called: EHLERS-DANLOS SYNDROME, TYPE VIA; Ehlers-Danlos syndrome, hydroxylysine-deficient; PLOD1-Related Kyphoscoliotic Ehlers-Danlos Syndrome; EHLERS-DANLOS SYNDROME, OCULAR-SCOLIOTIC TYPE. Identifiers: Orphanet 1900, MedGen C0268342, MONDO:0016002, OMIM 225400. Disease mechanism: loss of function.
Familial thoracic aortic aneurysm and aortic dissection (TAAD). Also called: Thoracic aortic aneurysms and dissections. Identifiers: Orphanet 91387, MedGen C4707243, MONDO:0019625.

Allele frequency attached by ClinVar (database versions not stated): gnomAD 0.00001; TOPMed 0.00001; gnomAD exomes 0.00002 and 0.00003; ExAC 0.00004.
gnomAD v4.1: 23 of 1,441,510 alleles (0.0016%); highest among the groups gnomAD compares: South Asian, 0.017%; no homozygotes.

Submissions (3):

CeGaT Center for Human Genetics Tuebingen
Classification: Likely benign. Last evaluated: 2026-08-01. Review status: criteria provided, single submitter. Criteria: CeGaT Center For Human Genetics Tuebingen Variant Classification Criteria Version 2. Collection method: clinical testing. Allele origin: germline. Affected: yes. Observed: 2 variant alleles.
Comment: PLOD1: BP4, BP7

Labcorp Genetics (formerly Invitae), Labcorp
Classification: Likely benign for Ehlers-Danlos syndrome, kyphoscoliotic type 1. Last evaluated: 2025-11-28. Review status: criteria provided, single submitter. Criteria: Invitae Variant Classification Sherloc (09022015). Collection method: clinical testing. Allele origin: germline.

Ambry Genetics
Classification: Likely benign for Familial thoracic aortic aneurysm and aortic dissection. Last evaluated: 2022-03-09. Review status: criteria provided, single submitter. Criteria: Ambry Variant Classification Scheme 2023. Collection method: clinical testing. Allele origin: germline.

NM_000302.4(PLOD1):c.1293C>T (p.Ser431=)

Gene: PLOD1 (procollagen-lysine,2-oxoglutarate 5-dioxygenase 1; plus strand). Cytogenetic location: 1p36.22.
Variant type: single nucleotide variant.
Coding change: c.1293C>T on transcript NM_000302.4 (MANE Select); coding-DNA position 1293, C replaced by T.
Protein change: p.Ser431=; no amino-acid change (serine 431 retained).
Molecular consequence: synonymous variant.
Genome position (GRCh38, 1-based): chr1:11,964,265, C>T. VCF-style: chr1-11964265-C-T. GRCh37 (hg19) VCF-style: chr1-12024322-C-T.
Other names: c.1434C>T, p.Ser478= (NM_001316320.2).
Identifiers: ClinVar variation 1574726 (VCV001574726.14), dbSNP rs776976856, ClinGen allele CA598350.